The following is an entry in ClinVar:

NM_000077.5(CDKN2A):c.332_339del (p.Gly111fs)

Gene: CDKN2A (cyclin dependent kinase inhibitor 2A; minus strand). Cytogenetic location: 9p21.3.
Variant type: Deletion.
Coding change: c.332_339del on transcript NM_000077.5; coding-DNA positions 332 to 339, 8 bases deleted (GCCGTCTG; older notation c.332_339delGCCGTCTG).
Protein change: p.Gly111fs; shifts the reading frame from glycine 111.
Molecular consequence: frameshift variant (on NM_000077.6). On other transcripts: 3 prime UTR variant (1).
Genome position (GRCh38, 1-based): chr9:21,971,020-21,971,027, CAGACGGC deleted on the plus strand (GCCGTCTG on the coding strand, the reverse complement: CDKN2A is on the minus strand); deleting any 8 consecutive bases within chr9:21,971,020-21,971,028 gives the same sequence; the c. name uses the placement nearest the transcript's 3' end. VCF-style (leftmost placement, unchanged base first): chr9-21971019-GCAGACGGC-G. GRCh37 (hg19) VCF-style: chr9-21971018-GCAGACGGC-G.
Other names: c.331_338delGGCCGTCT, p.Gly111Alafs (NM_000077.6); c.332_339del, p.Gly111fs (NM_001195132.2); c.179_186del, p.Gly60fs (NM_001363763.2); c.375_382del, p.Ser127fs (NM_058195.4); c.*255_*262del (NM_058197.5); short protein forms G111fs, G60fs, S127fs.
Identifiers: ClinVar variation 4716268 (VCV004716268.1).
Genomic context (GRCh38, chr9:21,971,019, plus strand): 5'-CAGCCGCGCGCAGGTACCGTGCGACATCGCGATGGCCCAGCTCCTCAGCCAGGTCCACGG[GCAGACGGC>G]CCCAGGCATCGCGCACGTCCAGCCGCGCCCCGGCCCGGTGCAGCACCACCAGCGTGTCCA-3'

ClinVar aggregate classification (germline): Pathogenic (1 of 4 stars; one submission).

Conditions:
Familial melanoma. Also called: Hereditary melanoma; Hereditary cutaneous melanoma. Identifiers: Orphanet 618, MedGen C1512419, MONDO:0018961.

Submission:

Labcorp Genetics (formerly Invitae), Labcorp
Classification: Pathogenic for Familial melanoma. Last evaluated: 2025-03-30. Review status: criteria provided, single submitter. Criteria: Invitae Variant Classification Sherloc (09022015). Collection method: clinical testing. Allele origin: germline.
Comment: The CDKN2A gene encodes two different proteins, p16INK4a and p14ARF, which are translated from alternative transcripts with different open reading frames. Both transcripts have been analyzed. We report either the variant with the higher classification or default to the CDKN2A (p16INK4a) variant. This report therefore includes the details for the CDKN2A (p16INK4a) variant. This sequence change creates a premature translational stop signal (p.Gly111Alafs*6) in the CDKN2A (p16INK4a) gene. It is expected to result in an absent or disrupted protein product. Loss-of-function variants in CDKN2A (p16INK4a) are known to be pathogenic (PMID: 15146471, 16905682). This variant is not present in population databases (gnomAD no frequency). This variant has not been reported in the literature in individuals affected with CDKN2A (p16INK4a)-related conditions. This variant is also known as c.375_382del (p.Ser127Trpfs*31) in CDKN2A (p14ARF) transcript. For these reasons, this variant has been classified as Pathogenic. While the evidence indicates that this variant confers risk of developing CDKN2A (p16INK4a)-associated conditions, its association with risk for developing CDKN2A (p14ARF)-associated conditions is still unclear.

Literature cited by the submitters: PubMed 15146471; PubMed 16905682.